The following is an entry in ClinVar:

ClinVar aggregate classification (germline): Uncertain significance. Review status: criteria provided, multiple submitters, no conflicts (2 of 4 stars). 2 submissions from 2 submitters: Uncertain significance (2). Last evaluated 2024-03-04.

Allele frequency attached by ClinVar (database versions not stated): ESP Exome Variant Server 0.00023.
gnomAD v4.1: 145 of 1,613,794 alleles (0.009%); highest among the groups gnomAD compares: Non-Finnish European, 0.012%; no homozygotes.

Submissions (2):

Ambry Genetics
Classification: Uncertain significance. Last evaluated: 2024-03-04. Review status: criteria provided, single submitter. Criteria: Ambry Variant Classification Scheme 2023. Collection method: clinical testing. Allele origin: germline.

Labcorp Genetics (formerly Invitae), Labcorp
Classification: Uncertain significance. Last evaluated: 2023-05-22. Review status: criteria provided, single submitter. Criteria: Invitae Variant Classification Sherloc (09022015). Collection method: clinical testing. Allele origin: germline.
Comment: In summary, the available evidence is currently insufficient to determine the role of this variant in disease. Therefore, it has been classified as a Variant of Uncertain Significance. This variant has not been reported in the literature in individuals affected with RPS6KC1-related conditions. ClinVar contains an entry for this variant (Variation ID: 2055532). An algorithm developed to predict the effect of missense changes on protein structure and function (PolyPhen-2) suggests that this variant is likely to be disruptive. This sequence change replaces aspartic acid, which is acidic and polar, with valine, which is neutral and non-polar, at codon 179 of the RPS6KC1 protein (p.Asp179Val). This variant is present in population databases (rs367564641, gnomAD 0.009%).

NM_012424.6(RPS6KC1):c.536A>T (p.Asp179Val)

Gene: RPS6KC1 (ribosomal protein S6 kinase C1; plus strand). Cytogenetic location: 1q32.3.
Variant type: single nucleotide variant.
Coding change: c.536A>T on transcript NM_012424.6 (MANE Select); coding-DNA position 536, A replaced by T.
Protein change: p.Asp179Val; replaces aspartic acid 179 with valine.
Molecular consequence: missense variant. On other transcripts: 5 prime UTR variant (23), non-coding transcript variant (3), intron variant (5).
Genome position (GRCh38, 1-based): chr1:213,129,590, A>T. VCF-style: chr1-213129590-A-T. GRCh37 (hg19) VCF-style: chr1-213302933-A-T.
Other names: c.500A>T, p.Asp167Val (NM_001136138.4); c.-8A>T (NM_001287218.3, NM_001287219.3, NM_001287221.3 and 7 more transcripts); c.-679A>T (NM_001287220.3, NM_001349666.2, NM_001349667.2 and 4 more transcripts); c.536A>T, p.Asp179Val (NM_001349646.2); c.-752A>T (NM_001349659.2); c.-672A>T (NM_001349660.2, NM_001349661.2, NM_001349662.2); c.-586A>T (NM_001349664.2, NM_001349670.2); c.-57+12180A>T (NM_001349658.2); and 5 more; short protein forms D167V, D179V.
Identifiers: ClinVar variation 2055532 (VCV002055532.5), dbSNP rs367564641, ClinGen allele CA1387200.
Genomic context (GRCh38, chr1:213,129,590, plus strand): 5'-TCTCCAGTGACAGTGATCTGGTATCTCTTACTGTTGATGTGGATTCTCTTGCTGAGTTAG[A>T]TGATGGAATGGCTTCCAATCAAAATTCTCCCATTAGAACTTTTGGTCTCAATCTTTCTTC-3'
Protein context (NP_036556.2, residues 169-189): TVDVDSLAEL[Asp179Val]DGMASNQNSP